The following is an entry in ClinVar:

NC_000011.9:g.(?_6411829)_(6662844_?)dup

Genes: APBB1 (amyloid beta precursor protein binding family B member 1; minus strand), ARFIP2 (ARF interacting protein 2; minus strand), DCHS1 (dachsous cadherin-related 1; minus strand), DNHD1 (dynein heavy chain domain 1; plus strand), HPX (hemopexin; minus strand) and 7 more. Cytogenetic location: 11p15.4.
Variant type: Duplication.
Identifiers: ClinVar variation 2423019 (VCV002423019.3).

ClinVar aggregate classification (germline): Uncertain significance (1 of 4 stars; one submission).

Submission:

Labcorp Genetics (formerly Invitae), Labcorp
Classification: Uncertain significance. Last evaluated: 2022-07-19. Review status: criteria provided, single submitter. Criteria: Invitae Variant Classification Sherloc (09022015). Collection method: clinical testing. Allele origin: germline.
Comment: A copy number gain of the genomic region encompassing the full coding sequence of the TPP1 gene has been identified. The boundaries of this event are unknown as they extend beyond the assayed region for this gene and therefore may encompass additional genes. As the precise location of this event is unknown, it may be in tandem or it may be located elsewhere in the genome. This variant has not been reported in the literature in individuals affected with TPP1-related conditions. In summary, the available evidence is currently insufficient to determine the role of this variant in disease. Therefore, it has been classified as a Variant of Uncertain Significance.